The following is an entry in ClinVar:

ClinVar aggregate classification (germline): Uncertain significance (1 of 4 stars; one submission).

Submission:

Labcorp Genetics (formerly Invitae), Labcorp
Classification: Uncertain significance. Last evaluated: 2021-11-02. Review status: criteria provided, single submitter. Criteria: Invitae Variant Classification Sherloc (09022015). Collection method: clinical testing. Allele origin: germline.
Comment: In summary, the available evidence is currently insufficient to determine the role of this variant in disease. Therefore, it has been classified as a Variant of Uncertain Significance. Algorithms developed to predict the effect of missense changes on protein structure and function (SIFT, PolyPhen-2, Align-GVGD) all suggest that this variant is likely to be disruptive. This variant has not been reported in the literature in individuals affected with NBAS-related conditions. This variant is not present in population databases (gnomAD no frequency). This sequence change replaces arginine, which is basic and polar, with isoleucine, which is neutral and non-polar, at codon 849 of the NBAS protein (p.Arg849Ile).

NM_015909.4(NBAS):c.2546G>T (p.Arg849Ile)

Gene: NBAS (NBAS subunit of NRZ tethering complex; minus strand). Cytogenetic location: 2p24.3.
Variant type: single nucleotide variant.
Coding change: c.2546G>T on transcript NM_015909.4 (MANE Select); coding-DNA position 2546, G replaced by T.
Protein change: p.Arg849Ile; replaces arginine 849 with isoleucine.
Molecular consequence: missense variant. On other transcripts: non-coding transcript variant (1).
Genome position (GRCh38, 1-based): chr2:15,424,346, C>A on the plus strand (G>T on the coding strand, the complement: NBAS is on the minus strand). VCF-style: chr2-15424346-C-A. GRCh37 (hg19) VCF-style: chr2-15564470-C-A.
Other names: short protein forms R849I.
Identifiers: ClinVar variation 1406859 (VCV001406859.6), dbSNP rs2148477843, ClinGen allele CA345889259.
Genomic context (GRCh38, chr2:15,424,346, plus strand): 5'-ACTGAGCAGCAGCTGCCATTTCCCCTCACCTGCCGAGCATAATGCTCTATTTCCTCTGCT[C>A]TGGTCTGATACCAGTCCATAACCTTCTCCACCGTAAGCTGGGTCATCCTGAACCTTAGTA-3'
Protein context (NP_056993.2, residues 839-859): VEKVMDWYQT[Arg849Ile]AEEIEHYARQ